The following is an entry in ClinVar:

ClinVar aggregate classification (germline): Uncertain significance (1 of 4 stars; one submission).

Submission:

GeneDx
Classification: Uncertain significance. Last evaluated: 2025-03-10. Review status: criteria provided, single submitter. Criteria: GeneDx Variant Classification Process June 2021. Collection method: clinical testing. Allele origin: germline. Affected: yes.
Comment: Not observed at significant frequency in large population cohorts (gnomAD); In silico analysis indicates that this missense variant does not alter protein structure/function; Has not been previously published as pathogenic or benign to our knowledge

NM_012082.4(ZFPM2):c.3316A>G (p.Lys1106Glu)

Genes: ZFPM2 (zinc finger protein, FOG family member 2; plus strand), ZFPM2-AS1 (ZFPM2 antisense RNA 1; minus strand), LOC126860469 (BRD4-independent group 4 enhancer GRCh37_chr8:106814445-106815644; plus strand). Cytogenetic location: 8q23.1.
Variant type: single nucleotide variant.
Coding change: c.3316A>G on transcript NM_012082.4 (MANE Select); coding-DNA position 3316, A replaced by G.
Protein change: p.Lys1106Glu; replaces lysine 1106 with glutamic acid.
Molecular consequence: missense variant.
Genome position (GRCh38, 1-based): chr8:105,803,398, A>G. VCF-style: chr8-105803398-A-G. GRCh37 (hg19) VCF-style: chr8-106815626-A-G.
Other names: c.3157A>G, p.Lys1053Glu (NM_001362836.2); c.2920A>G, p.Lys974Glu (NM_001362837.2); short protein forms K1053E, K1106E, K974E.
Identifiers: ClinVar variation 4082949 (VCV004082949.1).